The following is an entry in ClinVar:

ClinVar aggregate classification (germline): Likely benign (1 of 4 stars; one submission).

Allele frequency attached by ClinVar (database versions not stated): ExAC 0.00024.

Submission:

CeGaT Center for Human Genetics Tuebingen
Classification: Likely benign. Last evaluated: 2023-06-01. Review status: criteria provided, single submitter. Criteria: CeGaT Center For Human Genetics Tuebingen Variant Classification Criteria Version 2. Collection method: clinical testing. Allele origin: germline. Affected: yes. Observed: 1 variant allele.
Comment: GTF2IRD2: BP4, BP7

NM_173537.5(GTF2IRD2):c.6C>G (p.Ala2=)

Genes: GTF2IRD2 (GTF2I repeat domain containing 2; minus strand), LOC106029312 (Williams-Beuren syndrome medial block B recombination region; plus strand). Cytogenetic location: 7q11.23.
Variant type: single nucleotide variant.
Coding change: c.6C>G on transcript NM_173537.5 (MANE Select); coding-DNA position 6, C replaced by G.
Protein change: p.Ala2=; no amino-acid change (alanine 2 retained).
Molecular consequence: synonymous variant. On other transcripts: non-coding transcript variant (6).
Genome position (GRCh38, 1-based): chr7:74,836,373, G>C on the plus strand (C>G on the coding strand, the complement: GTF2IRD2 is on the minus strand). VCF-style: chr7-74836373-G-C. GRCh37 (hg19) VCF-style: chr7-74251495-G-C.
Other names: c.6C>G, p.Ala2= (NM_001281447.3, NM_001388079.1, NM_001388080.1 and 7 more transcripts); c.492C>G, p.Ala164= (NM_001368300.2).
Identifiers: ClinVar variation 2657606 (VCV002657606.24), dbSNP rs782191807, ClinGen allele CA160167534.